The following is an entry in ClinVar:

ClinVar aggregate classification (germline): Uncertain significance (1 of 4 stars; one submission).

Conditions:
Intellectual developmental disorder with seizures and language delay (IDDSELD). Identifiers: MedGen C5436574, MONDO:0033559, OMIM 619000.

gnomAD v4.1: 1 of 1,469,288 alleles (0.000068%); highest among the groups gnomAD compares: Non-Finnish European, 0.000091%; no homozygotes.

Submission:

MGZ Medical Genetics Center
Classification: Uncertain significance for Intellectual developmental disorder with seizures and language delay. Last evaluated: 2022-04-26. Review status: criteria provided, single submitter. Criteria: ACMG Guidelines, 2015. Collection method: clinical testing. Allele origin: germline. Affected: yes. Observed: 1 variant allele.
Comment: ACMG criteria applied: PM2_SUP, PP2, PP3

NM_001353345.2(SETD1B):c.2301G>T (p.Gln767His)

Gene: SETD1B (SET domain containing 1B, histone lysine methyltransferase; plus strand). Cytogenetic location: 12q24.31.
Variant type: single nucleotide variant.
Coding change: c.2301G>T on transcript NM_001353345.2 (MANE Select); coding-DNA position 2301, G replaced by T.
Protein change: p.Gln767His; replaces glutamine 767 with histidine.
Molecular consequence: missense variant.
Genome position (GRCh38, 1-based): chr12:121,814,516, G>T. VCF-style: chr12-121814516-G-T. GRCh37 (hg19) VCF-style: chr12-122252422-G-T.
Other names: short protein forms Q767H.
Identifiers: ClinVar variation 1709324 (VCV001709324.2), dbSNP rs545932945, ClinGen allele CA244641420.